The following is an entry in ClinVar:

ClinVar aggregate classification (germline): Benign/Likely benign. Review status: criteria provided, multiple submitters, no conflicts (2 of 4 stars). 4 submissions from 4 submitters: Benign (2); Likely benign (1). 1 of the submissions does not count toward it. Last evaluated 2024-11-27.

Conditions:
Niemann-Pick disease, type B. Also called: Chronic Visceral ASMD (Niemann-Pick Disease Type B; NPD-B). Identifiers: Orphanet 77293, MedGen C0268243, MONDO:0011871, OMIM 607616. Disease mechanism: loss of function.
Niemann-Pick disease, type A. Also called: Infantile Neurovisceral ASMD (Niemann-Pick Disease Type A; NPD-A); SPHINGOMYELIN LIPIDOSIS; SPHINGOMYELINASE DEFICIENCY. Identifiers: Orphanet 77292, MedGen C0268242, MONDO:0009756, OMIM 257200. Disease mechanism: loss of function.

Allele frequency attached by ClinVar (database versions not stated): gnomAD 0.01904 and 0.02001; gnomAD exomes 0.01907 and 0.02357; ExAC 0.02146.

Submissions (4):

Blueprint Genetics
Classification: Likely benign. Last evaluated: 2024-11-27. Review status: criteria provided, single submitter. Criteria: ACMG Guidelines, 2015. Collection method: clinical testing. Allele origin: germline.

Labcorp Genetics (formerly Invitae), Labcorp
Classification: Benign for Niemann-Pick disease, type B; Niemann-Pick disease, type A. Last evaluated: 2023-11-27. Review status: criteria provided, single submitter. Criteria: Invitae Variant Classification Sherloc (09022015). Collection method: clinical testing. Allele origin: germline.

Mayo Clinic Laboratories, Mayo Clinic
Classification: Benign. Last evaluated: 2023-03-01. Review status: criteria provided, single submitter. Criteria: ACMG Guidelines, 2015. Collection method: clinical testing. Allele origin: germline. Observed: 12 variant alleles.
Comment: BA1

Natera, Inc.
Classification: Benign for Niemann-Pick Disease, Types A/B. Last evaluated: 2019-09-25. Review status: no assertion criteria provided. Collection method: clinical testing. Allele origin: germline. Not counted in ClinVar's aggregate classification.

NM_000543.5(SMPD1):c.106_107insCGC (p.Val36delinsAlaLeu)

Gene: SMPD1 (sphingomyelin phosphodiesterase 1; plus strand). Cytogenetic location: 11p15.4.
Variant type: Insertion.
Coding change: c.106_107insCGC on transcript NM_000543.5 (MANE Select); coding-DNA positions 106 to 107, CGC inserted.
Protein change: p.Val36delinsAlaLeu.
Molecular consequence: inframe indel. On other transcripts: 5 prime UTR variant (1), non-coding transcript variant (2).
Genome position: GRCh38 VCF-style: chr11-6390704-G-GCGC. GRCh37 (hg19) VCF-style: chr11-6411934-G-GCGC.
Other names: p.Val36delinsAlaLeu; c.106_107insCGC, p.Val36delinsAlaLeu (NM_001007593.3, NM_001318087.2, NM_001365135.2); c.-856_-855insCGC (NM_001318088.2).
Identifiers: ClinVar variation 1170920 (VCV001170920.10), dbSNP rs767539123, ClinGen allele CA5852482.
Genomic context (GRCh38, chr11:6,390,704, plus strand): 5'-GGCCGGGAGCAGGGACAAGACGGGACCGCCGGAGCCCCCGGACTCCTTTGGATGGGCCTG[G>GCGC]TGCTGGCGCTGGCGCTGGCGCTGGCGCTGGCGCTGGCTCTGTCTGACTCTCGGGTTCTCT-3'